The following is an entry in ClinVar:

ClinVar aggregate classification (germline): Uncertain significance. Review status: criteria provided, multiple submitters, no conflicts (2 of 4 stars). 2 submissions from 2 submitters: Uncertain significance (2). Last evaluated 2024-06-11.

Conditions:
Fanconi anemia complementation group O. Also called: RAD51C-Related Fanconi Anemia. Identifiers: Orphanet 84, MedGen C3150653, MONDO:0013248, OMIM 613390.

Submissions (2):

GeneDx
Classification: Uncertain significance. Last evaluated: 2024-06-11. Review status: criteria provided, single submitter. Criteria: GeneDx Variant Classification Process June 2021. Collection method: clinical testing. Allele origin: germline. Affected: yes.
Comment: Not observed at significant frequency in large population cohorts (gnomAD); In silico analysis indicates that this missense variant does not alter protein structure/function; Has not been previously published as pathogenic or benign to our knowledge; This variant is associated with the following publications: (PMID: 14704354)

Labcorp Genetics (formerly Invitae), Labcorp
Classification: Uncertain significance for Fanconi anemia complementation group O. Last evaluated: 2024-04-30. Review status: criteria provided, single submitter. Criteria: Invitae Variant Classification Sherloc (09022015). Collection method: clinical testing. Allele origin: germline.
Comment: This sequence change replaces alanine, which is neutral and non-polar, with threonine, which is neutral and polar, at codon 106 of the RAD51C protein (p.Ala106Thr). This variant is not present in population databases (gnomAD no frequency). This variant has not been reported in the literature in individuals affected with RAD51C-related conditions. ClinVar contains an entry for this variant (Variation ID: 1490393). Advanced modeling of protein sequence and biophysical properties (such as structural, functional, and spatial information, amino acid conservation, physicochemical variation, residue mobility, and thermodynamic stability) performed at Invitae indicates that this missense variant is not expected to disrupt RAD51C protein function with a negative predictive value of 80%. In summary, the available evidence is currently insufficient to determine the role of this variant in disease. Therefore, it has been classified as a Variant of Uncertain Significance.

NM_058216.3(RAD51C):c.316G>A (p.Ala106Thr)

Gene: RAD51C (RAD51 paralog C; plus strand). Cytogenetic location: 17q22.
Variant type: single nucleotide variant.
Coding change: c.316G>A on transcript NM_058216.3 (MANE Select); coding-DNA position 316, G replaced by A.
Protein change: p.Ala106Thr; replaces alanine 106 with threonine.
Molecular consequence: missense variant. On other transcripts: non-coding transcript variant (2).
Genome position (GRCh38, 1-based): chr17:58,695,101, G>A. VCF-style: chr17-58695101-G-A. GRCh37 (hg19) VCF-style: chr17-56772462-G-A.
Other names: c.316G>A (NM_058216.1); c.316G>A, p.Ala106Thr (NM_002876.4); short protein forms A106T.
Identifiers: ClinVar variation 1490393 (VCV001490393.9), dbSNP rs2143724307, ClinGen allele CA400341154.